The following is an entry in ClinVar:

NM_000059.4(BRCA2):c.4054G>T (p.Asp1352Tyr)

Gene: BRCA2 (BRCA2 DNA repair associated; plus strand). Cytogenetic location: 13q13.1.
Variant type: single nucleotide variant.
Coding change: c.4054G>T on transcript NM_000059.4 (MANE Select); coding-DNA position 4054, G replaced by T.
Protein change: p.Asp1352Tyr; replaces aspartic acid 1352 with tyrosine.
Molecular consequence: missense variant.
Genome position (GRCh38, 1-based): chr13:32,338,409, G>T. VCF-style: chr13-32338409-G-T. GRCh37 (hg19) VCF-style: chr13-32912546-G-T.
Other names: short protein forms D1352Y.
Identifiers: ClinVar variation 37874 (VCV000037874.41), dbSNP rs80358655, ClinGen allele CA019440.

ClinVar aggregate classification (germline): Conflicting classifications of pathogenicity. Review status: criteria provided, conflicting classifications (1 of 4 stars). 15 submissions from 15 submitters: Uncertain significance (9); Likely benign (2). 4 of the submissions do not count toward it. Last evaluated 2026-04-13.

Conditions:
BRCA2-related cancer predisposition. Identifiers: MedGen CN377758, MONDO:0700269.
Breast and/or ovarian cancer. Identifiers: MedGen CN221562.
Hereditary breast ovarian cancer syndrome. Also called: Hereditary breast and ovarian cancer; Hereditary breast and ovarian cancer syndrome (HBOC); Hereditary breast and ovarian cancer syndrome; Breast and ovarian cancer; Hereditary breast and/or ovarian cancer syndrome; BRCA1- and BRCA2-Associated Hereditary Breast and Ovarian Cancer. Identifiers: Orphanet 145, MedGen C0677776, MeSH D061325, MONDO:0003582. Disease mechanism: loss of function.
Hereditary cancer-predisposing syndrome. Also called: Neoplastic Syndromes, Hereditary; Hereditary neoplastic syndrome; Tumor predisposition; Hereditary Cancer Syndrome. Identifiers: Orphanet 140162, MedGen C0027672, MeSH D009386, MONDO:0015356.
Breast-ovarian cancer, familial, susceptibility to, 2 (BROVCA2). Also called: BRCA2 Hereditary Breast and Ovarian Cancer. Identifiers: Orphanet 145, MedGen C2675520, MONDO:0012933, OMIM 612555. Disease mechanism: loss of function.

Allele frequency attached by ClinVar (database versions not stated): gnomAD exomes 0.00001 and below 0.00001.
gnomAD v4.1: 7 of 1,603,268 alleles (0.00044%); highest among the groups gnomAD compares: Non-Finnish European, 0.00059%; no homozygotes.

Submissions (15):

Women's Health and Genetics/Laboratory Corporation of America, LabCorp
Classification: Uncertain significance. Last evaluated: 2026-04-13. Review status: criteria provided, single submitter. Criteria: LabCorp Variant Classification Summary - May 2015. Collection method: clinical testing. Allele origin: germline.
Comment: Variant summary: BRCA2 c.4054G>T (p.Asp1352Tyr) results in a non-conservative amino acid change in the encoded protein sequence. Algorithms developed to predict the effect of missense changes on protein structure and function are either unavailable or do not agree on the potential impact of this missense change. The variant allele was found at a frequency of 4.1e-06 in 241134 control chromosomes. The available data on variant occurrences in the general population are insufficient to allow any conclusion about variant significance. c.4054G>T has been observed in individuals affected with Hereditary Breast And/or Ovarian Cancer Syndrome without clear evidence for causality (Meisel_2017, Santonocito_2020). These reports do not provide unequivocal conclusions about association of the variant with Hereditary Breast And Ovarian Cancer Syndrome. Co-occurrences with other pathogenic variant(s) have been reported (BRCA1 c.5062_5064delGTT, p.Val1688del), providing supporting evidence for a benign role. To our knowledge, no experimental evidence demonstrating an impact on protein function has been reported. The following publications have been ascertained in the context of this evaluation (PMID: 28324225, 32438681). ClinVar contains an entry for this variant (Variation ID: 37874). Based on the evidence outlined above, the variant was classified as uncertain significance.

Dasa
Classification: Uncertain significance for Breast-ovarian cancer, familial, susceptibility to, 2. Last evaluated: 2025-11-10. Review status: criteria provided, single submitter. Criteria: DASA Assertion Criteria. Collection method: clinical testing. Allele origin: germline.
Comment: NM_000059.4(BRCA2):c.4054G>T (p.Asp1352Tyr) is a missense variant that results in the substitution of aspartic acid with tyrosine. This variant is rare in population databases. The currently available literature and clinical evidence are not sufficient to establish a definitive association between this variant and the reported condition. Therefore, this variant is classified as a variant of uncertain significance.

Labcorp Genetics (formerly Invitae), Labcorp
Classification: Likely benign for Hereditary breast ovarian cancer syndrome. Last evaluated: 2025-09-21. Review status: criteria provided, single submitter. Criteria: Invitae Variant Classification Sherloc (09022015). Collection method: clinical testing. Allele origin: germline.

Ambry Genetics
Classification: Uncertain significance for Hereditary cancer-predisposing syndrome. Last evaluated: 2025-07-16. Review status: criteria provided, single submitter. Criteria: Ambry Variant Classification Scheme 2023. Collection method: clinical testing. Allele origin: germline.
Comment: The p.D1352Y variant (also known as c.4054G>T), located in coding exon 10 of the BRCA2 gene, results from a G to T substitution at nucleotide position 4054. The aspartic acid at codon 1352 is replaced by tyrosine, an amino acid with highly dissimilar properties. This alteration has been reported in individuals with breast cancer (Spearman AD et al. J. Clin. Oncol., 2008 Nov;26:5393-400; Meisel C et al. Arch. Gynecol. Obstet. 2017 May;295(5):1227-1238), colon cancer (Deihimi S et al. Oncotarget, 2017 Jun;8:39945-39962), and an individual with ovarian cancer, who was also found to carry a pathogenic mutation in BRCA1 (Santonocito C et al. Cancers (Basel) 2020 May;12(5)). This amino acid position is not well conserved in available vertebrate species. In addition, this alteration is predicted to be tolerated by in silico analysis. Based on the available evidence, the clinical significance of this variant remains unclear.

Quest Diagnostics Nichols Institute San Juan Capistrano
Classification: Uncertain significance. Last evaluated: 2025-05-19. Review status: criteria provided, single submitter. Criteria: Quest Diagnostics criteria. Collection method: clinical testing. Allele origin: unknown.
Comment: The BRCA2 c.4054G>T (p.Asp1352Tyr) variant has been reported in the published literature in individuals with breast and/or ovarian cancer (PMID: 18824701 (2008), 28324225 (2017), 33471991 (2021), see also LOVD), in an individual with breast and colon cancer (PMID: 28591715 (2017)), and in a reportedly unaffected individual (PMID: 33471991 (2021), see also LOVD). This variant is located in a region of the BRCA2 gene that is tolerant to missense sequence changes (PMID: 31911673 (2020)). The frequency of this variant in the general population (Genome Aggregation Database) is uninformative in the assessment of its pathogenicity. Analysis of this variant using bioinformatics tools for the prediction of the effect of amino acid changes on protein structure and function yielded conflicting predictions that this variant is benign or damaging. Based on the available information, we are unable to determine the clinical significance of this variant.

All of Us Research Program, National Institutes of Health
Classification: Uncertain significance for BRCA2-related cancer predisposition. Last evaluated: 2024-03-05. Review status: criteria provided, single submitter. Criteria: ACMG Guidelines, 2015. Collection method: clinical testing. Allele origin: germline. Inheritance: Autosomal dominant inheritance. Observed: 4 variant alleles, 4 heterozygotes.
Comment: This missense variant replaces aspartic acid with tyrosine at codon 1352 of the BRCA2 protein. Computational prediction suggests that this variant may not impact protein structure and function (internally defined REVEL score threshold <= 0.5, PMID: 27666373). To our knowledge, functional studies have not been reported for this variant. This variant has been reported in an individual affected with breast and colon cancer, an individual affected with ovarian cancer, and one unaffected individual (PMID: 28591715, 32438681, 33471991; Leiden Open Variation Database DB-ID BRCA2_000108). The individual affected with ovarian cancer also carried a pathogenic variant in the BRCA1 gene that could explain the observed phenotype (PMID: 32438681). This variant has been included in two multifactorial analyses, reporting probabilities of pathogenicity of 0.04 and 0.02 (PMID: 21990134, 31131967). This variant has been identified in 1/241134 chromosomes in the general population by the Genome Aggregation Database (gnomAD). The available evidence is insufficient to determine the role of this variant in disease conclusively. Therefore, this variant is classified as a Variant of Uncertain Significance.

This study involves interpretation of variants in research participants for the purpose of population health screening. Participant phenotype was not available at the time of variant classification. Additional details can be found in publication PMID: 35346344, PMCID: PMC8962531

GeneDx
Classification: Uncertain significance. Last evaluated: 2023-09-06. Review status: criteria provided, single submitter. Criteria: GeneDx Variant Classification Process June 2021. Collection method: clinical testing. Allele origin: germline. Affected: yes.
Comment: In silico analysis supports that this missense variant has a deleterious effect on protein structure/function; Not observed at significant frequency in large population cohorts (gnomAD); Also known as 4282G>T; This variant is associated with the following publications: (PMID: 28591715, 21990134, 18824701, 28135145, 21990165, 28324225, 31131967, 29580235, 32377563, 32438681, 29884841)

University of Washington Department of Laboratory Medicine, University of Washington
Classification: Likely benign for Hereditary cancer-predisposing syndrome. Last evaluated: 2023-03-23. Review status: criteria provided, single submitter. Criteria: Dines et al. (Genet Med. 2020). Collection method: curation. Allele origin: germline.
Comment: Missense variant in a coldspot region where missense variants are very unlikely to be pathogenic (PMID:31911673).

BRCA2 exon 11 coldspot. Reclassification based on statistical prior probability.

Color Diagnostics, LLC DBA Color Health
Classification: Uncertain significance for Hereditary cancer-predisposing syndrome. Last evaluated: 2022-12-19. Review status: criteria provided, single submitter. Criteria: ACMG Guidelines, 2015. Collection method: clinical testing. Allele origin: germline.
Comment: This missense variant replaces aspartic acid with tyrosine at codon 1352 of the BRCA2 protein. Computational prediction suggests that this variant may not impact protein structure and function (internally defined REVEL score threshold <= 0.5, PMID: 27666373). To our knowledge, functional studies have not been reported for this variant. This variant has been reported in an individual affected with breast and colon cancer, an individual affected with ovarian cancer, and one unaffected individual (PMID: 28591715, 32438681, 33471991; Leiden Open Variation Database DB-ID BRCA2_000108). The individual affected with ovarian cancer also carried a pathogenic variant in the BRCA1 gene that could explain the observed phenotype (PMID: 32438681). This variant has been included in two multifactorial analyses, reporting probabilities of pathogenicity of 0.04 and 0.02 (PMID: 21990134, 31131967). This variant has been identified in 1/241134 chromosomes in the general population by the Genome Aggregation Database (gnomAD). The available evidence is insufficient to determine the role of this variant in disease conclusively. Therefore, this variant is classified as a Variant of Uncertain Significance.

ARUP Laboratories, Molecular Genetics and Genomics, ARUP Laboratories
Classification: Uncertain significance. Last evaluated: 2017-08-25. Review status: criteria provided, single submitter. Criteria: ARUP Molecular Germline Variant Investigation Process. Collection method: clinical testing. Allele origin: germline.

CHEO Genetics Diagnostic Laboratory, Children's Hospital of Eastern Ontario
Classification: Uncertain significance for Breast and/or ovarian cancer. Last evaluated: 2017-04-13. Review status: criteria provided, single submitter. Criteria: ACMG Guidelines, 2015. Collection method: clinical testing. Allele origin: germline. Study: Canadian Open Genetics Repository.

Department of Medical and Surgical Sciences, University of Bologna
Classification: Likely benign for Breast-ovarian cancer, familial, susceptibility to, 2. Last evaluated: 2023-09-01. Review status: no assertion criteria provided. Collection method: clinical testing. Allele origin: germline. Affected: yes. Not counted in ClinVar's aggregate classification.
Comment: PM2(Supporting)+BP1(Strong) according to ACMG/AMP classification guidelines specified for BRCA1 & BRCA2 (Classification Criteria V1.0.0 2023-09-08) (PMID: 38160042)

Counsyl
Classification: Likely benign for Breast-ovarian cancer, familial, susceptibility to, 2. Last evaluated: 2016-07-20. Review status: no assertion criteria provided. Collection method: clinical testing. Allele origin: unknown. Not counted in ClinVar's aggregate classification.

Sharing Clinical Reports Project (SCRP)
Classification: Uncertain significance for Breast-ovarian cancer, familial 2. Last evaluated: 2006-02-03. Review status: no assertion criteria provided. Collection method: clinical testing. Allele origin: germline. Not counted in ClinVar's aggregate classification.

Breast Cancer Information Core (BIC) (BRCA2)
Classification: Uncertain significance for Breast-ovarian cancer, familial 2. Last evaluated: 2003-12-23. Review status: no assertion criteria provided. Collection method: clinical testing. Allele origin: germline. Affected: yes. Observed: 2 variant alleles. Not counted in ClinVar's aggregate classification.

Literature cited by the submitters: PubMed 28324225 (cited by Women's Health and Genetics/Laboratory Corporation of America, LabCorp and Quest Diagnostics Nichols Institute San Juan Capistrano); PubMed 32438681 (cited by 4 submitters); PubMed 18824701 (cited by 3 submitters); PubMed 21990134 (cited by 5 submitters); PubMed 28591715 (cited by 4 submitters); PubMed 31911673 (cited by Quest Diagnostics Nichols Institute San Juan Capistrano); PubMed 31131967 (cited by 3 submitters); PubMed 33471991 (cited by 3 submitters).